The following is an entry in ClinVar:

NM_020971.3(SPTBN4):c.1139T>A (p.Leu380Gln)

Gene: SPTBN4 (spectrin beta, non-erythrocytic 4; plus strand). Cytogenetic location: 19q13.2.
Variant type: single nucleotide variant.
Coding change: c.1139T>A on transcript NM_020971.3 (MANE Select); coding-DNA position 1139, T replaced by A.
Protein change: p.Leu380Gln; replaces leucine 380 with glutamine.
Molecular consequence: missense variant.
Genome position (GRCh38, 1-based): chr19:40,502,443, T>A. VCF-style: chr19-40502443-T-A. GRCh37 (hg19) VCF-style: chr19-41008350-T-A.
Other names: short protein forms L380Q.
Identifiers: ClinVar variation 5018000 (VCV005018000.1).

ClinVar aggregate classification (germline): Uncertain significance (1 of 4 stars; one submission).

Submission:

GeneDx
Classification: Uncertain significance. Last evaluated: 2026-04-09. Review status: criteria provided, single submitter. Criteria: GeneDx Variant Classification Process June 2021. Collection method: clinical testing. Allele origin: germline.
Comment: Not observed at significant frequency in large population cohorts (gnomAD); In silico analysis supports that this missense variant has a deleterious effect on protein structure/function; Has not been previously published as pathogenic or benign to our knowledge